The following is an entry in ClinVar:

ClinVar aggregate classification (germline): Uncertain significance (1 of 4 stars; one submission).

Conditions:
Cryopyrin associated periodic syndrome (CAPS). Identifiers: Orphanet 208650, MedGen C2316212, MONDO:0016168.

Submission:

Labcorp Genetics (formerly Invitae), Labcorp
Classification: Uncertain significance for Cryopyrin associated periodic syndrome. Last evaluated: 2025-10-27. Review status: criteria provided, single submitter. Criteria: Invitae Variant Classification Sherloc (09022015). Collection method: clinical testing. Allele origin: germline.
Comment: This sequence change replaces asparagine, which is neutral and polar, with lysine, which is basic and polar, at codon 103 of the NLRP3 protein (p.Asn103Lys). This variant is not present in population databases (gnomAD no frequency). This variant has not been reported in the literature in individuals affected with NLRP3-related conditions. ClinVar contains an entry for this variant (Variation ID: 658304). An algorithm developed to predict the effect of missense changes on protein structure and function outputs the following: PolyPhen-2: "Benign". The lysine amino acid residue is found in multiple mammalian species, which suggests that this missense change does not adversely affect protein function. In summary, the available evidence is currently insufficient to determine the role of this variant in disease. Therefore, it has been classified as a Variant of Uncertain Significance.

NM_001243133.2(NLRP3):c.303T>A (p.Asn101Lys)

Gene: NLRP3 (NLR family pyrin domain containing 3; plus strand). Cytogenetic location: 1q44.
Variant type: single nucleotide variant.
Coding change: c.303T>A on transcript NM_001243133.2 (MANE Select); coding-DNA position 303, T replaced by A.
Protein change: p.Asn101Lys; replaces asparagine 101 with lysine.
Molecular consequence: missense variant.
Genome position (GRCh38, 1-based): chr1:247,423,255, T>A. VCF-style: chr1-247423255-T-A. GRCh37 (hg19) VCF-style: chr1-247586557-T-A.
Other names: c.303T>A, p.Asn101Lys (NM_001079821.3, NM_001127461.3, NM_001127462.3 and 1 more transcripts); c.309T>A, p.Asn103Lys (NM_004895.5); short protein forms N101K, N103K.
Identifiers: ClinVar variation 658304 (VCV000658304.8), dbSNP rs1572165308, ClinGen allele CA345554347.